The following continues an entry in ClinVar:

NM_014249.4(NR2E3):c.932G>A (p.Arg311Gln)

Gene: NR2E3. ClinVar aggregate classification (germline): Pathogenic/Likely pathogenic. Pathogenic (21); Likely pathogenic (1).

Submissions 13 to 29 of 31:

GeneDx
Classification: Pathogenic. Last evaluated: 2023-03-09. Review status: criteria provided, single submitter. Criteria: GeneDx Variant Classification Process June 2021. Collection method: clinical testing. Allele origin: germline. Affected: yes.
Comment: Identified in the heterozygous state with no additional NR2E3 variants in patients with enhanced S-cone syndrome, however, the R311Q variant has also been identified in the heterozygous state in unaffected individuals (Milam et al., 2002; Escher et al. 2009); Published functional studies demonstrate mislocalization of the expressed protein to the cytoplasm, reduced DNA binding, and decreased transcriptional activity (Kanda et al., 2009; Escher et al., 2009).; This variant is associated with the following publications: (PMID: 18294254, 17438525, 28944237, 19823680, 25703721, 10655056, 25097241, 19898638, 15689355, 19006237, 28300834, 28541266, 11773633, 11071390)

Institute of Human Genetics, Univ. Regensburg, Univ. Regensburg
Classification: Likely pathogenic for Retinal dystrophy. Last evaluated: 2023-01-01. Review status: criteria provided, single submitter. Criteria: ACMG Guidelines, 2015. Collection method: clinical testing. Allele origin: germline. Affected: yes.

Revvity Omics, Revvity
Classification: Pathogenic. Last evaluated: 2022-08-29. Review status: criteria provided, single submitter. Criteria: ACMG Guidelines, 2015. Collection method: clinical testing. Allele origin: germline.

CeGaT Center for Human Genetics Tuebingen
Classification: Pathogenic. Last evaluated: 2021-09-01. Review status: criteria provided, single submitter. Criteria: CeGaT Center For Human Genetics Tuebingen Variant Classification Criteria Version 2. Collection method: clinical testing. Allele origin: germline. Affected: yes. Observed: 2 variant alleles.

Ocular Genomics Institute, Massachusetts Eye and Ear
Classification: Pathogenic for Retinitis pigmentosa 37. Last evaluated: 2021-04-08. Review status: criteria provided, single submitter. Criteria: ACMG Guidelines, 2015. Collection method: research. Allele origin: germline. Affected: yes.
Comment: Through a review of available evidence we were able to apply the following criteria: PP1, PS3, PM2, PM3-S . Based on this evidence we have classified this variant as Pathogenic.

Myriad Genetics, Inc.
Classification: Pathogenic for ENHANCED S-CONE SYNDROME 1. Last evaluated: 2020-01-03. Review status: criteria provided, single submitter. Criteria: Myriad Women's Health Autosomal Recessive and X-Linked Classification Criteria (2019). Collection method: clinical testing. Allele origin: unknown.
Comment: NM_014249.2(NR2E3):c.932G>A(R311Q) is classified as pathogenic in the context of NR2E3-related disorders. Sources cited for classification include the following: PMID 10655056, 11071390, 11773633, 18294254, 19006237, 19898638, 24069298, 15689355 and 17438525. Classification of NM_014249.2(NR2E3):c.932G>A(R311Q) is based on the following criteria: This is a well-established pathogenic variant in the literature that has been observed more frequently in patients with clinical diagnoses than in healthy populations. Please note: this variant was assessed in the context of healthy population screening.

Hadassah Hebrew University Medical Center
Classification: Pathogenic for ENHANCED S-CONE SYNDROME 1. Last evaluated: 2019-06-20. Review status: criteria provided, single submitter. Criteria: ACMG Guidelines, 2015. Collection method: clinical testing. Allele origin: germline. Affected: yes.

Laboratory for Molecular Medicine, Mass General Brigham Personalized Medicine
Classification: Pathogenic for Goldmann-Favre syndrome. Last evaluated: 2018-06-18. Review status: criteria provided, single submitter. Criteria: LMM Criteria. Collection method: clinical testing. Allele origin: germline. Inheritance: Autosomal recessive inheritance. Observed: 1 variant allele.
Comment: The p.Arg311Gln variant in NR2E3 has been reported in the homozygous or compound heterozygous state in more than 15 individuals with Enhanced S-cone syndrome an d segregated in >10 affected relatives (Haider 2000, Chavala 2005, Iannaccone 20 09, Lingao 2016, Neuhaus 2017, Patel 2016, Gerber 2000, Bernal 2008, Pachydaki 2 009, Bandah 2009, Habibi 2016). This variant has also been reported in ClinVar ( Variation ID: 5532). This variant has been identified in 0.49% (47/9608) of Ashk enazi Jewish chromosomes, including 1 homozygous individual, by the Genome Aggre gation Database (gnomAD; dbSNP rs28937873). Al though this variant has been seen in the general Ashkenazi Jewish population, it s frequency is low enough to be consistent with a recessive carrier frequency. I n vitro functional studies on p.Arg311Gln provide evidence of varying impacts on protein function, potentially resulting in abnormal binding or cellular localiz ation (Escher 2009, Roduit 2009, Kanda 2009, Fradot 2007); however, these studie s types of assays may not accurately represent biological function. Computationa l prediction tools and conservation analysis do not provide strong support for o r against an impact to the protein. In summary, the p.Arg311Gln variant is class ified as pathogenic in an autosomal recessive manner for Enhanced S-cone syndrom e. ACMG/AMP criteria applied: PM3_VeryStrong, PP1_Strong, PS3_Supporting.

Illumina Laboratory Services, Illumina
Classification: Pathogenic for NR2E3-Related Disorders. Last evaluated: 2017-09-08. Review status: criteria provided, single submitter. Criteria: ICSL Variant Classification Criteria 09 May 2019. Collection method: clinical testing. Allele origin: germline.
Comment: The NR2E3 c.932G>A (p.Arg311Gln) variant has been reported in three studies in which it is found in a homozygous state in a total of 12 patients including one unrelated individual, two siblings, and nine related individuals from a single family, all with either enhanced S-cone syndrome (ESCS) or autosomal recessive retinitis pigmentosa (arRP) (Gerber et al. 2000; Chavala et al. 2005; Bernal et al. 2008). In addition, Haider et al. (2000) identified the p.Arg311Gln variant in 13 of 29 unrelated patients with ESCS, however zygosity of the variant was not given. The p.Arg311Gln variant was reported to segregate with disease in multiple families, including a large multi-generation consanguineous family with arRP (Gerber et al. 2000). The p.Arg311Gln variant was absent from 752 controls and is reported at a frequency of 0.00576 in the American population of the 1000 Genomes Project. Gerber et al. (2000) expressed the p.Arg311Gln variant protein in HEK293T cells and found that it hinders the formation of stable dimers but did not significantly alter the in vitro DNA binding capacities or the ability of the protein to repress transcription. Based on the collective evidence, the p.Arg311Gln variant is classified as pathogenic for NR2E3-related disorders. This variant was observed by ICSL as part of a predisposition screen in an ostensibly healthy population.

UNC Molecular Genetics  Laboratory, University of North Carolina at Chapel Hill
Classification: Pathogenic for Enhanced s-cone syndrome; NR2E3-Related Disorders. Review status: criteria provided, single submitter. Criteria: ACMG Guidelines, 2015. Collection method: research. Allele origin: germline. Affected: no. Observed: 1 variant allele. Study: NSIGHT-NC NEXUS.
Comment: The c.932G>A (p.R311Q) missense variant has been observed in the homozygous state and compound heterozygous state in individuals with enhanced S-cone syndrome (PMID: 10655056; 11071390; 11773633; 12963616; 16024868; 18294254; 18436841).

carrier finding

Clinical Genetics Laboratory, University Hospital Schleswig-Holstein
Classification: Pathogenic for Retinitis pigmentosa 37; ENHANCED S-CONE SYNDROME 1. Last evaluated: 2023-12-18. Review status: no assertion criteria provided. Collection method: clinical testing. Allele origin: germline. Affected: yes. Not counted in ClinVar's aggregate classification.

Sharon lab, Hadassah-Hebrew University Medical Center
Classification: Pathogenic for Enhanced S-cone syndrome. Last evaluated: 2019-06-23. Review status: no assertion criteria provided. Collection method: research. Allele origin: inherited. Affected: yes. Not counted in ClinVar's aggregate classification.

Faculty of Health Sciences, Beirut Arab University
Classification: Pathogenic for Autosomal recessive Retinitis Pigmentosa. Last evaluated: 2018-09-03. Review status: no assertion criteria provided. Collection method: literature only. Allele origin: germline. Affected: yes. Observed: 3 variant alleles. Not counted in ClinVar's aggregate classification.

Department of Clinical Genetics, Copenhagen University Hospital, Rigshospitalet
Classification: Likely pathogenic for Retinitis pigmentosa. Last evaluated: 2018-04-01. Review status: no assertion criteria provided. Collection method: research. Allele origin: unknown. Affected: yes. Study: VeluxRD. Not counted in ClinVar's aggregate classification.

Department of Genetics, Sultan Qaboos University Hospital
Classification: Likely pathogenic for ENHANCED S-CONE SYNDROME 1. Last evaluated: 2017-12-30. Review status: no assertion criteria provided. Collection method: curation. Allele origin: unknown. Affected: yes. Not counted in ClinVar's aggregate classification.

Counsyl
Classification: Pathogenic for Retinitis pigmentosa 37; ENHANCED S-CONE SYNDROME 1. Last evaluated: 2017-07-05. Review status: no assertion criteria provided. Collection method: clinical testing. Allele origin: unknown. Not counted in ClinVar's aggregate classification.

OMIM
Classification: Pathogenic for ENHANCED S-CONE SYNDROME 1. Last evaluated: 2008-04-01. Review status: no assertion criteria provided. Collection method: literature only. Allele origin: germline. Not counted in ClinVar's aggregate classification.